The following is an entry in ClinVar:

ClinVar aggregate classification (germline): Pathogenic/Likely pathogenic. Review status: criteria provided, multiple submitters, no conflicts (2 of 4 stars). 2 submissions from 2 submitters: Pathogenic (1); Likely pathogenic (1). Last evaluated 2024-01-11.

Conditions:
Rhizomelic chondrodysplasia punctata type 2 (RCDP2). Also called: DIHYDROXYACETONEPHOSPHATE ACYLTRANSFERASE DEFICIENCY; PEROXISOMAL DIHYDROXYACETONEPHOSPHATE ACYLTRANSFERASE DEFICIENCY; Chondrodysplasia punctata, rhizomelic, due to dihydroxyacetonephosphate acyltransferase deficiency; glyceronephosphate O-acyltransferase (GNPAT) deficiency; DHAPAT DEFICIENCY; Glyceronephosphate O-acyltransferase deficiency. Identifiers: Orphanet 177, Orphanet 309796, MedGen C1857242, MONDO:0100273, OMIM 222765. Disease mechanism: loss of function.

Submissions (2):

Labcorp Genetics (formerly Invitae), Labcorp
Classification: Pathogenic. Last evaluated: 2024-01-11. Review status: criteria provided, single submitter. Criteria: Invitae Variant Classification Sherloc (09022015). Collection method: clinical testing. Allele origin: germline.
Comment: This sequence change creates a premature translational stop signal (p.Leu192Trpfs*3) in the GNPAT gene. It is expected to result in an absent or disrupted protein product. Loss-of-function variants in GNPAT are known to be pathogenic (PMID: 9536089, 21990100). This variant is not present in population databases (gnomAD no frequency). This variant has not been reported in the literature in individuals affected with GNPAT-related conditions. For these reasons, this variant has been classified as Pathogenic.

Baylor Genetics
Classification: Likely pathogenic for Rhizomelic chondrodysplasia punctata type 2. Last evaluated: 2023-04-24. Review status: criteria provided, single submitter. Criteria: ACMG Guidelines, 2015. Collection method: clinical testing. Allele origin: unknown.

Literature cited by the submitters: PubMed 9536089 (cited by Labcorp Genetics (formerly Invitae), Labcorp); PubMed 21990100 (cited by Labcorp Genetics (formerly Invitae), Labcorp).

NM_014236.4(GNPAT):c.574del (p.Leu192fs)

Gene: GNPAT (glyceronephosphate O-acyltransferase; plus strand). Cytogenetic location: 1q42.2.
Variant type: Deletion.
Coding change: c.574del on transcript NM_014236.4 (MANE Select); coding-DNA position 574, one base deleted (C; older notation c.574delC).
Protein change: p.Leu192fs; shifts the reading frame from leucine 192.
Molecular consequence: frameshift variant.
Genome position (GRCh38, 1-based): chr1:231,265,298, C deleted; the last of 2 consecutive C bases (chr1:231,265,297-231,265,298); deleting either gives the same sequence. VCF-style (leftmost placement, unchanged base first): chr1-231265296-TC-T. GRCh37 (hg19) VCF-style: chr1-231401042-TC-T.
Other names: c.391del, p.Leu131fs (NM_001316350.2); short protein forms L131fs, L192fs.
Identifiers: ClinVar variation 2675934 (VCV002675934.4), dbSNP rs2527021944, ClinGen allele CA2695200031.